The following is an entry in ClinVar:

NM_015331.3(NCSTN):c.273C>A (p.Asn91Lys)

Gene: NCSTN (nicastrin; plus strand). Cytogenetic location: 1q23.2.
Variant type: single nucleotide variant.
Coding change: c.273C>A on transcript NM_015331.3 (MANE Select); coding-DNA position 273, C replaced by A.
Protein change: p.Asn91Lys; replaces asparagine 91 with lysine.
Molecular consequence: missense variant.
Genome position (GRCh38, 1-based): chr1:160,349,081, C>A. VCF-style: chr1-160349081-C-A. GRCh37 (hg19) VCF-style: chr1-160318871-C-A.
Other names: c.213C>A, p.Asn71Lys (NM_001290184.2); c.273C>A, p.Asn91Lys (NM_001290186.2, NM_001349729.2); short protein forms N71K, N91K.
Identifiers: ClinVar variation 1930598 (VCV001930598.5), dbSNP rs200450922, ClinGen allele CA1198644.

ClinVar aggregate classification (germline): Uncertain significance (1 of 4 stars; one submission).

Allele frequency attached by ClinVar (database versions not stated): ExAC 0.00001; gnomAD 0.00001; TOPMed 0.00002.
gnomAD v4.1: 16 of 1,614,022 alleles (0.00099%); highest among the groups gnomAD compares: African/African-American, 0.0013%; no homozygotes.

Submission:

Labcorp Genetics (formerly Invitae), Labcorp
Classification: Uncertain significance. Last evaluated: 2025-06-27. Review status: criteria provided, single submitter. Criteria: Invitae Variant Classification Sherloc (09022015). Collection method: clinical testing. Allele origin: germline.
Comment: This sequence change replaces asparagine, which is neutral and polar, with lysine, which is basic and polar, at codon 91 of the NCSTN protein (p.Asn91Lys). This variant is present in population databases (rs200450922, gnomAD 0.0009%). This variant has not been reported in the literature in individuals affected with NCSTN-related conditions. ClinVar contains an entry for this variant (Variation ID: 1930598). Invitae Evidence Modeling of protein sequence and biophysical properties (such as structural, functional, and spatial information, amino acid conservation, physicochemical variation, residue mobility, and thermodynamic stability) indicates that this missense variant is not expected to disrupt NCSTN protein function with a negative predictive value of 80%. In summary, the available evidence is currently insufficient to determine the role of this variant in disease. Therefore, it has been classified as a Variant of Uncertain Significance.